The following is an entry in ClinVar:

NM_173551.5(ANKS6):c.2361T>A (p.Leu787=)

Gene: ANKS6 (ankyrin repeat and sterile alpha motif domain containing 6; minus strand). Cytogenetic location: 9q22.33.
Variant type: single nucleotide variant.
Coding change: c.2361T>A on transcript NM_173551.5 (MANE Select); coding-DNA position 2361, T replaced by A.
Protein change: p.Leu787=; no amino-acid change (leucine 787 retained).
Molecular consequence: synonymous variant.
Genome position (GRCh38, 1-based): chr9:98,751,062, A>T on the plus strand (T>A on the coding strand, the complement: ANKS6 is on the minus strand). VCF-style: chr9-98751062-A-T. GRCh37 (hg19) VCF-style: chr9-101513344-A-T.
Identifiers: ClinVar variation 3037117 (VCV003037117.2), dbSNP rs1588339062, ClinGen allele CA466422403.

ClinVar aggregate classification (germline): Likely benign (0 of 4 stars; one submission).

Conditions:
ANKS6-related disorder. Also called: ANKS6-related condition.

Allele frequency attached by ClinVar (database versions not stated): gnomAD exomes below 0.00001.
gnomAD v4.1: 2 of 1,610,166 alleles (0.00012%); highest among the groups gnomAD compares: Non-Finnish European, 0.00017%; no homozygotes.

Submission:

PreventionGenetics, part of Exact Sciences
Classification: Likely benign for ANKS6-related condition. Last evaluated: 2020-06-26. Review status: no assertion criteria provided. Collection method: clinical testing. Allele origin: germline.
Comment: This variant is classified as likely benign based on ACMG/AMP sequence variant interpretation guidelines (Richards et al. 2015 PMID: 25741868, with internal and published modifications).